The following is an entry in ClinVar:

NM_181078.3(IL21R):c.505G>A (p.Val169Met)

Gene: IL21R (interleukin 21 receptor; plus strand). Cytogenetic location: 16p12.1.
Variant type: single nucleotide variant.
Coding change: c.505G>A on transcript NM_181078.3 (MANE Select); coding-DNA position 505, G replaced by A.
Protein change: p.Val169Met; replaces valine 169 with methionine.
Molecular consequence: missense variant.
Genome position (GRCh38, 1-based): chr16:27,443,114, G>A. VCF-style: chr16-27443114-G-A. GRCh37 (hg19) VCF-style: chr16-27454435-G-A.
Other names: c.505G>A, p.Val169Met (NM_021798.4); c.571G>A, p.Val191Met (NM_181079.5); short protein forms V169M, V191M.
Identifiers: ClinVar variation 580552 (VCV000580552.6), dbSNP rs142403771, ClinGen allele CA7974984.

ClinVar aggregate classification (germline): Uncertain significance (1 of 4 stars; one submission).

Conditions:
Cryptosporidiosis-chronic cholangitis-liver disease syndrome. Also called: IL21R immunodeficiency; Immunodeficiency type 56. Identifiers: Orphanet 357329, MedGen C3554687, MONDO:0014082, OMIM 615207.

Allele frequency attached by ClinVar (database versions not stated): gnomAD exomes 0.00002 and 0.00003; ExAC 0.00003; gnomAD 0.00003 and 0.00004; TOPMed 0.00005; ESP Exome Variant Server 0.00008.
gnomAD v4.1: 52 of 1,608,400 alleles (0.0032%); highest among the groups gnomAD compares: Non-Finnish European, 0.0043%; no homozygotes.

Submission:

Labcorp Genetics (formerly Invitae), Labcorp
Classification: Uncertain significance for Cryptosporidiosis-chronic cholangitis-liver disease syndrome. Last evaluated: 2021-09-02. Review status: criteria provided, single submitter. Criteria: Invitae Variant Classification Sherloc (09022015). Collection method: clinical testing. Allele origin: germline.
Comment: This sequence change replaces valine with methionine at codon 169 of the IL21R protein (p.Val169Met). The valine residue is weakly conserved and there is a small physicochemical difference between valine and methionine. This variant is present in population databases (rs142403771, ExAC 0.005%). This variant has not been reported in the literature in individuals affected with IL21R-related conditions. Algorithms developed to predict the effect of missense changes on protein structure and function (SIFT, PolyPhen-2, Align-GVGD) all suggest that this variant is likely to be tolerated. In summary, the available evidence is currently insufficient to determine the role of this variant in disease. Therefore, it has been classified as a Variant of Uncertain Significance.